The following is an entry in ClinVar:

ClinVar aggregate classification (germline): Pathogenic. Review status: criteria provided, multiple submitters, no conflicts (2 of 4 stars). 10 submissions from 10 submitters: Pathogenic (7). 3 of the submissions do not count toward it. Last evaluated 2025-12-10.

Conditions:
Fanconi anemia (FA). Also called: Fanconi's anemia. Identifiers: Orphanet 84, MedGen C0015625, MeSH D005199, MONDO:0019391.
Fanconi anemia complementation group G. Also called: FANCG-Related Fanconi Anemia; Fanconi anemia group G. Identifiers: Orphanet 84, MedGen C3469527, MONDO:0013565, OMIM 614082.

Allele frequency attached by ClinVar (database versions not stated): gnomAD 0.00001.
gnomAD v4.1: 36 of 1,614,040 alleles (0.0022%); highest among the groups gnomAD compares: East Asian, 0.062%; no homozygotes.

Submissions (10):

Labcorp Genetics (formerly Invitae), Labcorp
Classification: Pathogenic for Fanconi anemia. Last evaluated: 2025-12-10. Review status: criteria provided, single submitter. Criteria: Invitae Variant Classification Sherloc (09022015). Collection method: clinical testing. Allele origin: germline.
Comment: This sequence change affects a donor splice site in intron 3 of the FANCG gene. It is expected to disrupt RNA splicing. Variants that disrupt the donor or acceptor splice site typically lead to a loss of protein function (PMID: 16199547), and loss-of-function variants in FANCG are known to be pathogenic (PMID: 12552564). This variant is present in population databases (rs200479612, gnomAD 0.03%). Disruption of this splice site has been observed in individual(s) with Fanconi anemia (PMID: 10807541, 28102861). In at least one individual the data is consistent with being in trans (on the opposite chromosome) from a pathogenic variant. ClinVar contains an entry for this variant (Variation ID: 6714). Algorithms developed to predict the effect of sequence changes on RNA splicing suggest that this variant may disrupt the consensus splice site. For these reasons, this variant has been classified as Pathogenic.

Dasa
Classification: Pathogenic. Last evaluated: 2025-11-19. Review status: criteria provided, single submitter. Criteria: DASA Assertion Criteria. Collection method: clinical testing. Allele origin: germline.
Comment: NM_004629.2(FANCG):c.307+1G>C introduces a premature termination codon predicted to result in loss of normal protein function. Loss-of-function is an established mechanism of disease for this gene. This variant results in the same amino acid change as a previously established pathogenic variant. This variant has been observed in affected individuals with related phenotype in a genotype context consistent with recessive disease (PMID: 30792206; PMID: 25703136; PMID: 23067021). This variant has been recurrently observed in individuals with related phenotype (PMID: 30792206; PMID: 25703136; PMID: 23067021). The variant is present at low frequency in population datasets. Based on the available data, this variant is classified as pathogenic.

Natera, Inc.
Classification: Pathogenic for Fanconi anemia group G. Last evaluated: 2025-05-12. Review status: criteria provided, single submitter. Criteria: Natera Variant Classification Schema (03/2026). Collection method: clinical testing. Allele origin: germline.
Comment: The c.307+1G>C variant in FANCG is a canonical splice donor site variant predicted to affect pre-mRNA splicing, which may result in an abnormal transcript and altered protein product. This variant is expected to result in nonsense mediated decay, truncation, or a dysfunctional protein product. This variant is rare in the general population with a frequency below the threshold expected for the associated phenotype(s). This variant has been observed in one or more individuals affected with the associated recessive disease, as either homozygous or compound heterozygous with a second variant (PMID: 24037726). Given the available evidence, this variant is classified as Pathogenic.

Fulgent Genetics
Classification: Pathogenic for Fanconi anemia complementation group G. Last evaluated: 2024-06-15. Review status: criteria provided, single submitter. Criteria: ACMG Guidelines, 2015. Collection method: clinical testing. Allele origin: germline.

Baylor Genetics
Classification: Pathogenic for Fanconi anemia complementation group G. Last evaluated: 2024-01-16. Review status: criteria provided, single submitter. Criteria: ACMG Guidelines, 2015. Collection method: clinical testing. Allele origin: unknown.

3billion
Classification: Pathogenic for Fanconi anemia complementation group G. Last evaluated: 2023-06-19. Review status: criteria provided, single submitter. Criteria: ACMG Guidelines, 2015. Collection method: clinical testing. Allele origin: germline. Affected: yes.
Comment: The variant is observed at an extremely low frequency in the gnomAD v2.1.1 dataset (total allele frequency: 0.002%). Predicted Consequence/Location: Canonical splice site: predicted to alter splicing and result in a loss or disruption of normal protein function. Multiple pathogenic loss-of-function variants are reported downstream of the variant. The variant has been reported at least twice as pathogenic without evidence for the classification (ClinVar ID: VCV000006714 /PMID: 10807541 /3billion dataset). Therefore, this variant is classified as Pathogenic according to the recommendation of ACMG/AMP guideline.

Department of Maternal-Fetal Biology, National Research Institute for Child Health and Development
Classification: Pathogenic for Fanconi anemia complementation group G. Last evaluated: 2022-01-01. Review status: criteria provided, single submitter. Criteria: ACMG Guidelines, 2015. Collection method: research. Allele origin: maternal. Affected: yes. Observed: 1 variant allele.

Leiden Open Variation Database
Classification: Pathogenic for Fanconi anemia complementation group G. Last evaluated: 2020-02-28. Review status: no assertion criteria provided. Collection method: curation. Allele origin: germline. Affected: yes. Not counted in ClinVar's aggregate classification.
Comment: Curator: Arleen D. Auerbach. Submitters to LOVD: Arleen D. Auerbach, Daniel Trujillano, Johan de Winter, Myungshin Kim.

OMIM
Classification: Pathogenic for FANCONI ANEMIA, COMPLEMENTATION GROUP G. Last evaluated: 2000-01-01. Review status: no assertion criteria provided. Collection method: literature only. Allele origin: germline. Not counted in ClinVar's aggregate classification.

GeneReviews
No classification provided. Condition: Fanconi anemia complementation group G. Review status: no classification provided. Collection method: literature only. Allele origin: germline. Not counted in ClinVar's aggregate classification.
Comment: Common in Koreans & Japanese

Literature cited by the submitters: PubMed 16199547 (cited by Labcorp Genetics (formerly Invitae), Labcorp); PubMed 12552564 (cited by Labcorp Genetics (formerly Invitae), Labcorp and Leiden Open Variation Database); PubMed 10807541 (cited by 4 submitters); PubMed 28102861 (cited by Labcorp Genetics (formerly Invitae), Labcorp); PubMed 30792206 (cited by Dasa); PubMed 25703136 (cited by Dasa); PubMed 23067021 (cited by Dasa); PubMed 24037726 (cited by Natera, Inc.); PubMed 22778927 (cited by Leiden Open Variation Database); NCBI Bookshelf NBK1401 (cited by GeneReviews); PubMed 20301575 (cited by GeneReviews).

NM_004629.2(FANCG):c.307+1G>C

Gene: FANCG (FA complementation group G; minus strand). Cytogenetic location: 9p13.3.
Variant type: single nucleotide variant.
Coding change: c.307+1G>C on transcript NM_004629.2 (MANE Select); the canonical splice donor site of the intron after coding-DNA position 307, G replaced by C.
Molecular consequence: splice donor variant.
Genome position (GRCh38, 1-based): chr9:35,078,604, C>G on the plus strand (G>C on the coding strand, the complement: FANCG is on the minus strand). VCF-style: chr9-35078604-C-G. GRCh37 (hg19) VCF-style: chr9-35078601-C-G.
Other names: IVS3+1G>C; IVS3, G-C, +1.
Identifiers: ClinVar variation 6714 (VCV000006714.22), dbSNP rs200479612, ClinGen allele CA340604.